The following is an entry in ClinVar:

ClinVar aggregate classification (germline): Pathogenic (1 of 4 stars; one submission).

Conditions:
Cardiovascular phenotype. Identifiers: MedGen CN230736.
Hereditary cancer-predisposing syndrome. Also called: Tumor predisposition; Hereditary neoplastic syndrome; Neoplastic Syndromes, Hereditary; Hereditary Cancer Syndrome. Identifiers: Orphanet 140162, MedGen C0027672, MeSH D009386, MONDO:0015356.

Submission:

Ambry Genetics
Classification: Pathogenic for Cardiovascular phenotype; Hereditary cancer-predisposing syndrome. Last evaluated: 2025-05-12. Review status: criteria provided, single submitter. Criteria: Ambry Variant Classification Scheme 2023. Collection method: clinical testing. Allele origin: germline.
Comment: The c.5698delC pathogenic mutation, located in coding exon 38 of the NF1 gene, results from a deletion of one nucleotide at nucleotide position 5698, causing a translational frameshift with a predicted alternate stop codon (p.H1900Tfs*4). This variant is considered to be rare based on population cohorts in the Genome Aggregation Database (gnomAD). This alteration is expected to result in loss of function by premature protein truncation or nonsense-mediated mRNA decay. As such, this alteration is interpreted as a disease-causing mutation.

NM_001042492.3(NF1):c.5761del (p.His1921fs)

Gene: NF1 (neurofibromin 1; plus strand). Cytogenetic location: 17q11.2.
Variant type: Deletion.
Coding change: c.5761del on transcript NM_001042492.3 (MANE Select); coding-DNA position 5761, one base deleted (C; older notation c.5761delC).
Protein change: p.His1921fs; shifts the reading frame from histidine 1921.
Molecular consequence: frameshift variant.
Genome position (GRCh38, 1-based): chr17:31,330,447, C deleted. VCF-style (leftmost placement, unchanged base first): chr17-31330446-AC-A. GRCh37 (hg19) VCF-style: chr17-29657464-AC-A.
Other names: c.5698delC (NM_000267.3); c.5698delC, p.His1900Thrfs (NM_000267.4); short protein forms H1900fs, H1921fs.
Identifiers: ClinVar variation 4028057 (VCV004028057.1).